The following is an entry in ClinVar:

NM_001365276.2(TNXB):c.6188G>T (p.Arg2063Leu)

Gene: TNXB (tenascin XB; minus strand). Cytogenetic location: 6p21.33.
Variant type: single nucleotide variant.
Coding change: c.6188G>T on transcript NM_001365276.2 (MANE Select); coding-DNA position 6188, G replaced by T.
Protein change: p.Arg2063Leu; replaces arginine 2063 with leucine.
Molecular consequence: missense variant.
Genome position (GRCh38, 1-based): chr6:32,068,422, C>A on the plus strand (G>T on the coding strand, the complement: TNXB is on the minus strand). VCF-style: chr6-32068422-C-A. GRCh37 (hg19) VCF-style: chr6-32036199-C-A.
Other names: c.6188G>T, p.Arg2063Leu (NM_019105.8); short protein forms R2063L.
Identifiers: ClinVar variation 2565738 (VCV002565738.2), dbSNP rs747409043, ClinGen allele CA3734512.

ClinVar aggregate classification (germline): Uncertain significance (1 of 4 stars; one submission).

Conditions:
Cardiovascular phenotype. Identifiers: MedGen CN230736.

Allele frequency attached by ClinVar (database versions not stated): ExAC 0.00001.
gnomAD v4.1: 18 of 1,613,870 alleles (0.0011%); highest among the groups gnomAD compares: Non-Finnish European, 0.0015%; no homozygotes.

Submission:

Ambry Genetics
Classification: Uncertain significance for Cardiovascular phenotype. Last evaluated: 2023-05-11. Review status: criteria provided, single submitter. Criteria: Ambry Variant Classification Scheme 2023. Collection method: clinical testing. Allele origin: germline.
Comment: The p.R2063L variant (also known as c.6188G>T), located in coding exon 16 of the TNXB gene, results from a G to T substitution at nucleotide position 6188. The arginine at codon 2063 is replaced by leucine, an amino acid with dissimilar properties. This amino acid position is conserved. In addition, this alteration is predicted to be tolerated by in silico analysis. Since supporting evidence is limited at this time, the clinical significance of this alteration remains unclear.